The following is an entry in ClinVar:

NM_139057.4(ADAMTS17):c.2710del (p.Tyr904fs)

Gene: ADAMTS17 (ADAM metallopeptidase with thrombospondin type 1 motif 17; minus strand). Cytogenetic location: 15q26.3.
Variant type: Deletion.
Coding change: c.2710del on transcript NM_139057.4 (MANE Select); coding-DNA position 2710, one base deleted (T; older notation c.2710delT).
Protein change: p.Tyr904fs; shifts the reading frame from tyrosine 904.
Molecular consequence: frameshift variant.
Genome position (GRCh38, 1-based): chr15:99,997,471, A deleted on the plus strand (T on the coding strand, the reverse complement: ADAMTS17 is on the minus strand). VCF-style (leftmost placement, unchanged base first): chr15-99997470-TA-T. GRCh37 (hg19) VCF-style: chr15-100537675-TA-T.
Other names: short protein forms Y904fs.
Identifiers: ClinVar variation 2013405 (VCV002013405.4), dbSNP rs1567657684, ClinGen allele CA620097024.

ClinVar aggregate classification (germline): Pathogenic (1 of 4 stars; one submission).

Allele frequency attached by ClinVar (database versions not stated): gnomAD exomes below 0.00001.

Submission:

Labcorp Genetics (formerly Invitae), Labcorp
Classification: Pathogenic. Last evaluated: 2022-07-03. Review status: criteria provided, single submitter. Criteria: Invitae Variant Classification Sherloc (09022015). Collection method: clinical testing. Allele origin: germline.
Comment: For these reasons, this variant has been classified as Pathogenic. This variant disrupts a region of the ADAMTS17 protein in which other variant(s) (p.Cys1023Tyr) have been determined to be pathogenic (PMID: 32616716). This suggests that this is a clinically significant region of the protein, and that variants that disrupt it are likely to be disease-causing. This variant has not been reported in the literature in individuals affected with ADAMTS17-related conditions. This variant is present in population databases (no rsID available, gnomAD 0.0009%). This sequence change creates a premature translational stop signal (p.Tyr904Thrfs*142) in the ADAMTS17 gene. While this is not anticipated to result in nonsense mediated decay, it is expected to disrupt the last 192 amino acid(s) of the ADAMTS17 protein.

Literature cited by the submitters: PubMed 32616716.